The following is an entry in ClinVar:

ClinVar aggregate classification (germline): Likely benign (1 of 4 stars; one submission).

gnomAD v4.1: 2 of 1,614,164 alleles (0.00012%); highest among the groups gnomAD compares: South Asian, 0.0022%; no homozygotes.

Submission:

CeGaT Center for Human Genetics Tuebingen
Classification: Likely benign. Last evaluated: 2026-04-01. Review status: criteria provided, single submitter. Criteria: CeGaT Center For Human Genetics Tuebingen Variant Classification Criteria Version 2. Collection method: clinical testing. Allele origin: germline. Affected: yes. Observed: 1 variant allele.
Comment: RORA: BP4, BP7

NM_134261.3(RORA):c.1026T>C (p.Asp342=)

Genes: RORA (RAR related orphan receptor A; minus strand), RORA-AS1 (RORA antisense RNA 1; plus strand). Cytogenetic location: 15q22.2.
Variant type: single nucleotide variant.
Coding change: c.1026T>C on transcript NM_134261.3 (MANE Select); coding-DNA position 1026, T replaced by C.
Protein change: p.Asp342=; no amino-acid change (aspartic acid 342 retained).
Molecular consequence: synonymous variant.
Genome position (GRCh38, 1-based): chr15:60,503,584, A>G on the plus strand (T>C on the coding strand, the complement: RORA is on the minus strand). VCF-style: chr15-60503584-A-G. GRCh37 (hg19) VCF-style: chr15-60795783-A-G.
Other names: c.1101T>C, p.Asp367= (NM_002943.4); c.1125T>C, p.Asp375= (NM_134260.3); c.861T>C, p.Asp287= (NM_134262.3).
Identifiers: ClinVar variation 4874523 (VCV004874523.2).